The following is an entry in ClinVar:

NM_182961.4(SYNE1):c.12100G>A (p.Glu4034Lys)

Gene: SYNE1 (spectrin repeat containing nuclear envelope protein 1; minus strand). Cytogenetic location: 6q25.2.
Variant type: single nucleotide variant.
Coding change: c.12100G>A on transcript NM_182961.4 (MANE Select); coding-DNA position 12100, G replaced by A.
Protein change: p.Glu4034Lys; replaces glutamic acid 4034 with lysine.
Molecular consequence: missense variant.
Genome position (GRCh38, 1-based): chr6:152,344,206, C>T on the plus strand (G>A on the coding strand, the complement: SYNE1 is on the minus strand). VCF-style: chr6-152344206-C-T. GRCh37 (hg19) VCF-style: chr6-152665341-C-T.
Other names: c.11887G>A, p.Glu3963Lys (NM_033071.5); short protein forms E3963K, E4034K.
Identifiers: ClinVar variation 288975 (VCV000288975.6), dbSNP rs746532554, ClinGen allele CA4056506.

ClinVar aggregate classification (germline): Uncertain significance. Review status: criteria provided, multiple submitters, no conflicts (2 of 4 stars). 2 submissions from 2 submitters: Uncertain significance (2). Last evaluated 2019-11-26.

Conditions:
Autosomal recessive ataxia, Beauce type. Also called: Spinocerebellar ataxia, autosomal recessive 8; ATAXIA, RECESSIVE, OF BEAUCE; SYNE1 Deficiency; SYNE1-Related Autosomal Recessive Cerebellar Ataxia. Identifiers: Orphanet 88644, MedGen C1853116, MONDO:0012549, OMIM 610743.
Emery-Dreifuss muscular dystrophy 4, autosomal dominant (EDMD4). Also called: EMERY-DREIFUSS MUSCULAR DYSTROPHY 4 WITH VARIABLE FEATURES. Identifiers: Orphanet 261, MedGen C2751807, MONDO:0013071, OMIM 612998.

Allele frequency attached by ClinVar (database versions not stated): gnomAD exomes below 0.00001 and 0.00001; ExAC 0.00001.
gnomAD v4.1: 5 of 1,614,152 alleles (0.00031%); highest among the groups gnomAD compares: Non-Finnish European, 0.00042%; no homozygotes.

Submissions (2):

Labcorp Genetics (formerly Invitae), Labcorp
Classification: Uncertain significance for Emery-Dreifuss muscular dystrophy 4, autosomal dominant; Spinocerebellar ataxia, autosomal recessive 8. Last evaluated: 2019-11-26. Review status: criteria provided, single submitter. Criteria: Invitae Variant Classification Sherloc (09022015). Collection method: clinical testing. Allele origin: germline.
Comment: This sequence change replaces glutamic acid with lysine at codon 3963 of the SYNE1 protein (p.Glu3963Lys). The glutamic acid residue is highly conserved and there is a small physicochemical difference between glutamic acid and lysine. This variant is present in population databases (rs746532554, ExAC 0.001%). This variant has not been reported in the literature in individuals with SYNE1-related conditions. ClinVar contains an entry for this variant (Variation ID: 288975). Algorithms developed to predict the effect of missense changes on protein structure and function (SIFT, PolyPhen-2, Align-GVGD) all suggest that this variant is likely to be disruptive, but these predictions have not been confirmed by published functional studies and their clinical significance is uncertain. In summary, the available evidence is currently insufficient to determine the role of this variant in disease. Therefore, it has been classified as a Variant of Uncertain Significance.

Eurofins Ntd Llc (ga)
Classification: Uncertain significance. Last evaluated: 2016-07-18. Review status: criteria provided, single submitter. Criteria: EGL Classification Definitions 2015. Collection method: clinical testing. Allele origin: germline. Observed: 1 variant allele, 1 heterozygote.